The following is an entry in ClinVar:

ClinVar aggregate classification (germline): Uncertain significance. Review status: criteria provided, multiple submitters, no conflicts (2 of 4 stars). 2 submissions from 2 submitters: Uncertain significance (2). Last evaluated 2025-10-20.

Conditions:
Emery-Dreifuss muscular dystrophy 5, autosomal dominant (EDMD5). Also called: EMERY-DREIFUSS MUSCULAR DYSTROPHY 5. Identifiers: Orphanet 261, MedGen C2751805, MONDO:0013072, OMIM 612999.

Allele frequency attached by ClinVar (database versions not stated): gnomAD 0.00002; TOPMed 0.00002; gnomAD exomes 0.00003.
gnomAD v4.1: 53 of 1,613,918 alleles (0.0033%); highest among the groups gnomAD compares: Non-Finnish European, 0.0038%; no homozygotes.

Submissions (2):

Labcorp Genetics (formerly Invitae), Labcorp
Classification: Uncertain significance for Emery-Dreifuss muscular dystrophy 5, autosomal dominant. Last evaluated: 2025-10-20. Review status: criteria provided, single submitter. Criteria: Invitae Variant Classification Sherloc (09022015). Collection method: clinical testing. Allele origin: germline.
Comment: This sequence change falls in intron 61 of the SYNE2 gene. It does not directly change the encoded amino acid sequence of the SYNE2 protein. It affects a nucleotide within the consensus splice site. This variant is present in population databases (rs751551602, gnomAD 0.007%). This variant has not been reported in the literature in individuals affected with SYNE2-related conditions. ClinVar contains an entry for this variant (Variation ID: 313566). Variants that disrupt the consensus splice site are a relatively common cause of aberrant splicing (PMID: 17576681, 9536098). Algorithms developed to predict the effect of sequence changes on RNA splicing suggest that this variant may disrupt the consensus splice site. In summary, the available evidence is currently insufficient to determine the role of this variant in disease. Therefore, it has been classified as a Variant of Uncertain Significance.

Illumina Laboratory Services, Illumina
Classification: Uncertain significance for Emery-Dreifuss muscular dystrophy 5, autosomal dominant. Last evaluated: 2018-01-13. Review status: criteria provided, single submitter. Criteria: ICSL Variant Classification Criteria 13 December 2019. Collection method: clinical testing. Allele origin: germline.

Literature cited by the submitters: PubMed 17576681 (cited by Labcorp Genetics (formerly Invitae), Labcorp); PubMed 9536098 (cited by Labcorp Genetics (formerly Invitae), Labcorp).

NM_182914.3(SYNE2):c.12108+3A>G

Gene: SYNE2 (spectrin repeat containing nuclear envelope protein 2; plus strand). Cytogenetic location: 14q23.2.
Variant type: single nucleotide variant.
Coding change: c.12108+3A>G on transcript NM_182914.3 (MANE Select); 3 bases into the intron after coding-DNA position 12108, A replaced by G.
Molecular consequence: intron variant.
Genome position (GRCh38, 1-based): chr14:64,093,483, A>G. VCF-style: chr14-64093483-A-G. GRCh37 (hg19) VCF-style: chr14-64560201-A-G.
Other names: c.12108+3A>G (NM_015180.6).
Identifiers: ClinVar variation 313566 (VCV000313566.12), dbSNP rs751551602, ClinGen allele CA10635029.
Genomic context (GRCh38, chr14:64,093,483, plus strand): 5'-TCAGTTCTCCCTTGAACATATGTCACCAGACCAAGCTGACAAGCTGCCACAACTACAGGT[A>G]TGTTTCTTTCATTCATAAAGGTATGTTTCATTTGTCCATCAGTGCATTTATTTAATACTT-3'